The following is an entry in ClinVar:

ClinVar aggregate classification (germline): Likely benign. Review status: criteria provided, multiple submitters, no conflicts (2 of 4 stars). 3 submissions from 3 submitters: Likely benign (2). 1 of the submissions does not count toward it. Last evaluated 2025-11-04.

Conditions:
FAN1-related disorder. Also called: FAN1-related condition.

Allele frequency attached by ClinVar (database versions not stated): ExAC 0.00001; gnomAD 0.00001; TOPMed 0.00002; gnomAD exomes 0.00003.
gnomAD v4.1: 40 of 1,611,916 alleles (0.0025%); highest among the groups gnomAD compares: Non-Finnish European, 0.0031%; no homozygotes.

Submissions (3):

Labcorp Genetics (formerly Invitae), Labcorp
Classification: Likely benign. Last evaluated: 2025-11-04. Review status: criteria provided, single submitter. Criteria: Invitae Variant Classification Sherloc (09022015). Collection method: clinical testing. Allele origin: germline.

Blueprint Genetics
Classification: Likely benign. Last evaluated: 2023-12-05. Review status: criteria provided, single submitter. Criteria: ACMG Guidelines, 2015. Collection method: clinical testing. Allele origin: germline.

PreventionGenetics, part of Exact Sciences
Classification: Likely benign for FAN1-related condition. Last evaluated: 2022-02-13. Review status: no assertion criteria provided. Collection method: clinical testing. Allele origin: germline. Not counted in ClinVar's aggregate classification.
Comment: This variant is classified as likely benign based on ACMG/AMP sequence variant interpretation guidelines (Richards et al. 2015 PMID: 25741868, with internal and published modifications).

NM_014967.5(FAN1):c.1794C>T (p.Asp598=)

Gene: FAN1 (FANCD2 and FANCI associated nuclease 1; plus strand). Cytogenetic location: 15q13.3.
Variant type: single nucleotide variant.
Coding change: c.1794C>T on transcript NM_014967.5 (MANE Select); coding-DNA position 1794, C replaced by T.
Protein change: p.Asp598=; no amino-acid change (aspartic acid 598 retained).
Molecular consequence: synonymous variant.
Genome position (GRCh38, 1-based): chr15:30,914,074, C>T. VCF-style: chr15-30914074-C-T. GRCh37 (hg19) VCF-style: chr15-31206277-C-T.
Identifiers: ClinVar variation 3032056 (VCV003032056.5), dbSNP rs769284883, ClinGen allele CA7450397.